The following is an entry in ClinVar:

NM_017534.6(MYH2):c.1796A>G (p.Lys599Arg)

Genes: MYHAS (myosin heavy chain gene cluster antisense RNA; plus strand), MYH2 (myosin heavy chain 2; minus strand). Cytogenetic location: 17p13.1.
Variant type: single nucleotide variant.
Coding change: c.1796A>G on transcript NM_017534.6 (MANE Select); coding-DNA position 1796, A replaced by G.
Protein change: p.Lys599Arg; replaces lysine 599 with arginine.
Molecular consequence: missense variant.
Genome position (GRCh38, 1-based): chr17:10,537,334, T>C on the plus strand (A>G on the coding strand, the complement: MYH2 is on the minus strand). VCF-style: chr17-10537334-T-C. GRCh37 (hg19) VCF-style: chr17-10440651-T-C.
Other names: c.1796A>G, p.Lys599Arg (NM_001100112.2); short protein forms K599R.
Identifiers: ClinVar variation 2433894 (VCV002433894.6), dbSNP rs2508451247, ClinGen allele CA398155156.

ClinVar aggregate classification (germline): Uncertain significance. Review status: criteria provided, multiple submitters, no conflicts (2 of 4 stars). 2 submissions from 2 submitters: Uncertain significance (2). Last evaluated 2023-12-10.

Conditions:
Myopathy, proximal, and ophthalmoplegia (CMYO6). Also called: CONGENITAL MYOPATHY 6 WITH OPHTHALMOPLEGIA; INCLUSION BODY MYOPATHY 3, AUTOSOMAL DOMINANT; MYOPATHY WITH CONGENITAL JOINT CONTRACTURES, OPHTHALMOPLEGIA, AND RIMMED VACUOLES. Identifiers: Orphanet 363677, Orphanet 79091, MedGen C1854106, MONDO:0011577, OMIM 605637.

Submissions (2):

Labcorp Genetics (formerly Invitae), Labcorp
Classification: Uncertain significance for Myopathy, proximal, and ophthalmoplegia. Last evaluated: 2023-12-10. Review status: criteria provided, single submitter. Criteria: Invitae Variant Classification Sherloc (09022015). Collection method: clinical testing. Allele origin: germline.
Comment: This sequence change replaces lysine, which is basic and polar, with arginine, which is basic and polar, at codon 599 of the MYH2 protein (p.Lys599Arg). This variant is not present in population databases (gnomAD no frequency). This variant has not been reported in the literature in individuals affected with MYH2-related conditions. ClinVar contains an entry for this variant (Variation ID: 2433894). Advanced modeling of protein sequence and biophysical properties (such as structural, functional, and spatial information, amino acid conservation, physicochemical variation, residue mobility, and thermodynamic stability) performed at Invitae indicates that this missense variant is expected to disrupt MYH2 protein function with a positive predictive value of 80%. In summary, the available evidence is currently insufficient to determine the role of this variant in disease. Therefore, it has been classified as a Variant of Uncertain Significance.

Revvity Omics, Revvity
Classification: Uncertain significance for Myopathy, proximal, and ophthalmoplegia. Last evaluated: 2019-08-15. Review status: criteria provided, single submitter. Criteria: ACMG Guidelines, 2015. Collection method: clinical testing. Allele origin: germline.